The following is an entry in ClinVar:

ClinVar aggregate classification (germline): Conflicting classifications of pathogenicity. Review status: criteria provided, conflicting classifications (1 of 4 stars). 3 submissions from 3 submitters: Uncertain significance (2); Likely benign (1). Last evaluated 2025-07-02.

Conditions:
Arrhythmogenic right ventricular cardiomyopathy (ARVD). Also called: Arrhythmogenic cardiomyopathy; Cardiomyopathy, ARVC; Arrhythmogenic right ventricular dysplasia; Arrhythmogenic Right Ventricular Cardiomyopathy (ARVC). Identifiers: Orphanet 247, MedGen C0349788, MeSH D019571, MONDO:0016587. Disease mechanism: loss of function. Inheritance: Various modes of inheritance.
Cardiovascular phenotype. Identifiers: MedGen CN230736.
RASopathy. Also called: rasopathies; Noonan spectrum disorder. Identifiers: Orphanet 536391, MedGen C5555857, MONDO:0021060.

Allele frequency attached by ClinVar (database versions not stated): gnomAD exomes below 0.00001 and 0.00001.
gnomAD v4.1: 15 of 1,612,020 alleles (0.00093%); highest among the groups gnomAD compares: Non-Finnish European, 0.0013%; no homozygotes.

Submissions (3):

Labcorp Genetics (formerly Invitae), Labcorp
Classification: Uncertain significance for RASopathy. Last evaluated: 2025-07-02. Review status: criteria provided, single submitter. Criteria: Invitae Variant Classification Sherloc (09022015). Collection method: clinical testing. Allele origin: germline.
Comment: This sequence change replaces cysteine, which is neutral and slightly polar, with arginine, which is basic and polar, at codon 569 of the PTPN11 protein (p.Cys569Arg). This variant is present in population databases (no rsID available, gnomAD 0.0009%). This variant has not been reported in the literature in individuals affected with PTPN11-related conditions. ClinVar contains an entry for this variant (Variation ID: 691730). Invitae Evidence Modeling of protein sequence and biophysical properties (such as structural, functional, and spatial information, amino acid conservation, physicochemical variation, residue mobility, and thermodynamic stability) indicates that this missense variant is not expected to disrupt PTPN11 protein function with a negative predictive value of 80%. In summary, the available evidence is currently insufficient to determine the role of this variant in disease. Therefore, it has been classified as a Variant of Uncertain Significance.

Ambry Genetics
Classification: Uncertain significance for Cardiovascular phenotype. Last evaluated: 2024-12-22. Review status: criteria provided, single submitter. Criteria: Ambry Variant Classification Scheme 2023. Collection method: clinical testing. Allele origin: germline.
Comment: The p.C569R variant (also known as c.1705T>C), located in coding exon 14 of the PTPN11 gene, results from a T to C substitution at nucleotide position 1705. The cysteine at codon 569 is replaced by arginine, an amino acid with highly dissimilar properties. This amino acid position is conserved. In addition, this alteration is predicted to be tolerated by in silico analysis. Based on the available evidence, the clinical significance of this variant remains unclear.

Center for Advanced Laboratory Medicine, UC San Diego Health, University of California San Diego
Classification: Likely benign for Arrhythmogenic right ventricular cardiomyopathy. Last evaluated: 2017-12-22. Review status: criteria provided, single submitter. Criteria: ACMG Guidelines, 2015. Collection method: clinical testing. Allele origin: germline. Affected: yes. Observed: 1 variant allele.

NM_002834.5(PTPN11):c.1705T>C (p.Cys569Arg)

Gene: PTPN11 (protein tyrosine phosphatase non-receptor type 11; plus strand). Cytogenetic location: 12q24.13.
Variant type: single nucleotide variant.
Coding change: c.1705T>C on transcript NM_002834.5 (MANE Select); coding-DNA position 1705, T replaced by C.
Protein change: p.Cys569Arg; replaces cysteine 569 with arginine.
Molecular consequence: missense variant.
Genome position (GRCh38, 1-based): chr12:112,502,249, T>C. VCF-style: chr12-112502249-T-C. GRCh37 (hg19) VCF-style: chr12-112940053-T-C.
Other names: c.1705T>C (NM_002834.3); c.1717T>C, p.Cys573Arg (NM_001330437.2); c.1702T>C, p.Cys568Arg (NM_001374625.1); short protein forms C573R, C569R, C568R.
Identifiers: ClinVar variation 691730 (VCV000691730.6), dbSNP rs1420924484, ClinGen allele CA386783662.